The following is an entry in ClinVar:

NM_001134363.3(RBM20):c.3053_3056del (p.Ser1018fs)

Gene: RBM20 (RNA binding motif protein 20; plus strand). Cytogenetic location: 10q25.2.
Variant type: Deletion.
Coding change: c.3053_3056del on transcript NM_001134363.3 (MANE Select); coding-DNA positions 3053 to 3056, 4 bases deleted (CCCT; older notation c.3053_3056delCCCT).
Protein change: p.Ser1018fs; shifts the reading frame from serine 1018.
Molecular consequence: frameshift variant.
Genome position (GRCh38, 1-based): chr10:110,821,672-110,821,675, CCCT deleted; deleting any 4 consecutive bases within chr10:110,821,670-110,821,675 gives the same sequence; the c. name uses the placement nearest the transcript's 3' end. VCF-style (leftmost placement, unchanged base first): chr10-110821669-TCTCC-T. GRCh37 (hg19) VCF-style: chr10-112581427-TCTCC-T.
Other names: c.3053_3056delCCCT (NM_001134363.1); short protein forms S1018fs.
Identifiers: ClinVar variation 1037256 (VCV001037256.10), dbSNP rs770955344, ClinGen allele CA213229652.

ClinVar aggregate classification (germline): Conflicting classifications of pathogenicity. Review status: criteria provided, conflicting classifications (1 of 4 stars). 3 submissions from 3 submitters: Pathogenic (2); Uncertain significance (1). Last evaluated 2025-12-08.

Conditions:
RBM20-related disorder. Also called: RBM20-related condition.
Cardiovascular phenotype. Identifiers: MedGen CN230736.
Dilated cardiomyopathy 1DD (CMD1DD). Identifiers: Orphanet 154, MedGen C2750995, MONDO:0013168, OMIM 613172.

Submissions (3):

Labcorp Genetics (formerly Invitae), Labcorp
Classification: Pathogenic for Dilated cardiomyopathy 1DD. Last evaluated: 2025-12-08. Review status: criteria provided, single submitter. Criteria: Invitae Variant Classification Sherloc (09022015). Collection method: clinical testing. Allele origin: germline.
Comment: This sequence change creates a premature translational stop signal (p.Ser1018Trpfs*85) in the RBM20 gene. It is expected to result in an absent or disrupted protein product. Loss-of-function variants in RBM20 are known to be pathogenic (PMID: 20590677, 22004663, 38288598, 38510713, 40339755). This variant is not present in population databases (gnomAD no frequency). This premature translational stop signal has been observed in individual(s) with clinical features of dilated cardiomyopathy (PMID: 29892087, 37652022). This variant is also known as c.3051_3054del CTCC (p.Ser1018fs). ClinVar contains an entry for this variant (Variation ID: 1037256). For these reasons, this variant has been classified as Pathogenic.

Ambry Genetics
Classification: Uncertain significance for Cardiovascular phenotype. Last evaluated: 2025-04-03. Review status: criteria provided, single submitter. Criteria: Ambry Variant Classification Scheme 2023. Collection method: clinical testing. Allele origin: germline.
Comment: The c.3053_3056delCCCT variant, located in coding exon 11 of the RBM20 gene, results from a deletion of 4 nucleotides at nucleotide positions 3053 to 3056, causing a translational frameshift with a predicted alternate stop codon (p.S1018Wfs*85). This variant has been reported in individual(s) in cardiomyopathy cohorts but clinical details were limited (Horvat C et al. Genet Med, 2019 Jan;21:133-143; Mazzarotto F et al. Circulation, 2020 Feb;141:387-398; Akinrinade O et al. J Cardiovasc Transl Res, 2023 Dec;16:1287-1302). This alteration is expected to result in protein truncation or nonsense-mediated mRNA decay. However, loss of function of RBM20 has not been established as a mechanism of disease. Based on the available evidence, the clinical significance of this alteration remains unclear.

Blueprint Genetics
Classification: Pathogenic for RBM20-related disorders. Last evaluated: 2021-11-17. Review status: criteria provided, single submitter. Criteria: ACMG Guidelines, 2015. Collection method: clinical testing. Allele origin: germline. Affected: yes. Observed: 4 variant alleles.

Literature cited by the submitters: PubMed 20590677 (cited by Labcorp Genetics (formerly Invitae), Labcorp); PubMed 22004663 (cited by Labcorp Genetics (formerly Invitae), Labcorp); PubMed 38288598 (cited by Labcorp Genetics (formerly Invitae), Labcorp); PubMed 38510713 (cited by Labcorp Genetics (formerly Invitae), Labcorp); PubMed 40339755 (cited by Labcorp Genetics (formerly Invitae), Labcorp); PubMed 29892087 (cited by Labcorp Genetics (formerly Invitae), Labcorp and Ambry Genetics); PubMed 37652022 (cited by Labcorp Genetics (formerly Invitae), Labcorp); PubMed 31983221 (cited by Ambry Genetics); PubMed 37477868 (cited by Ambry Genetics).